The following is an entry in ClinVar:

ClinVar aggregate classification (germline): Pathogenic/Likely pathogenic. Review status: criteria provided, multiple submitters, no conflicts (2 of 4 stars). 6 submissions from 6 submitters: Pathogenic (5); Likely pathogenic (1). Last evaluated 2025-05-07.

Conditions:
Mismatch repair cancer syndrome 3. Identifiers: MedGen C5436807, MONDO:0030841, OMIM 619097.
Endometrial carcinoma. Also called: Endometrial carcinoma, somatic. Identifiers: MedGen C0476089, MONDO:0002447, OMIM 608089, HP:0012114.
Lynch syndrome 5 (LYNCH5). Also called: Colorectal cancer, hereditary nonpolyposis, type 5; Hereditary non-polyposis colorectal cancer, type 5. Identifiers: Orphanet 144, MedGen C1833477, MONDO:0013710, OMIM 614350. Disease mechanism: loss of function.
Hereditary nonpolyposis colorectal neoplasms. Identifiers: MedGen C0009405, MeSH D003123.
Hereditary cancer-predisposing syndrome. Also called: Neoplastic Syndromes, Hereditary; Tumor predisposition; Hereditary Cancer Syndrome; Hereditary neoplastic syndrome. Identifiers: Orphanet 140162, MedGen C0027672, MeSH D009386, MONDO:0015356.

Submissions (6):

Ambry Genetics
Classification: Pathogenic for Hereditary cancer-predisposing syndrome. Last evaluated: 2025-05-07. Review status: criteria provided, single submitter. Criteria: Ambry Variant Classification Scheme 2023. Collection method: clinical testing. Allele origin: germline.
Comment: The p.S330* pathogenic mutation (also known as c.989C>A), located in coding exon 4 of the MSH6 gene, results from a C to A substitution at nucleotide position 989. This changes the amino acid from a serine to a stop codon within coding exon 4. This variant is considered to be rare based on population cohorts in the Genome Aggregation Database (gnomAD). This alteration is expected to result in loss of function by premature protein truncation or nonsense-mediated mRNA decay. As such, this alteration is interpreted as a disease-causing mutation.

Unidad de Genética Molecular HGU Elche, Hospital General Universitario de Elche
Classification: Pathogenic for Hereditary cancer-predisposing syndrome. Last evaluated: 2025-05-05. Review status: criteria provided, single submitter. Criteria: ACMG Guidelines, 2015. Collection method: clinical testing. Allele origin: germline. Affected: yes.
Comment: PVS1 very strong; PP5 strong; PM2 supporting

Fulgent Genetics
Classification: Likely pathogenic for Endometrial carcinoma; Lynch syndrome 5; Mismatch repair cancer syndrome 3. Last evaluated: 2024-05-14. Review status: criteria provided, single submitter. Criteria: ACMG Guidelines, 2015. Collection method: clinical testing. Allele origin: germline.

Myriad Genetics, Inc.
Classification: Pathogenic for Lynch syndrome 5. Last evaluated: 2023-08-11. Review status: criteria provided, single submitter. Criteria: Myriad Autosomal Dominant, Autosomal Recessive and X-Linked Classification Criteria (2023). Collection method: clinical testing. Allele origin: unknown.
Comment: This variant is considered pathogenic. This variant creates a termination codon and is predicted to result in premature protein truncation.

Labcorp Genetics (formerly Invitae), Labcorp
Classification: Pathogenic for Hereditary nonpolyposis colorectal neoplasms. Last evaluated: 2021-09-05. Review status: criteria provided, single submitter. Criteria: Invitae Variant Classification Sherloc (09022015). Collection method: clinical testing. Allele origin: germline.
Comment: This sequence change creates a premature translational stop signal (p.Ser330*) in the MSH6 gene. It is expected to result in an absent or disrupted protein product. Loss-of-function variants in MSH6 are known to be pathogenic (PMID: 18269114, 24362816). This variant is not present in population databases (ExAC no frequency). For these reasons, this variant has been classified as Pathogenic. ClinVar contains an entry for this variant (Variation ID: 186304). This premature translational stop signal has been observed in individual(s) with multiple primary malignant tumors (PMID: 25248401).

Baylor Genetics
Classification: Pathogenic for Endometrial carcinoma. Last evaluated: 2021-05-04. Review status: criteria provided, single submitter. Criteria: ACMG Guidelines, 2015. Collection method: clinical testing. Allele origin: unknown.

Literature cited by the submitters: PubMed 18269114 (cited by Labcorp Genetics (formerly Invitae), Labcorp); PubMed 24362816 (cited by Labcorp Genetics (formerly Invitae), Labcorp); PubMed 25248401 (cited by Labcorp Genetics (formerly Invitae), Labcorp).

NM_000179.3(MSH6):c.989C>A (p.Ser330Ter)

Gene: MSH6 (mutS homolog 6; plus strand). Cytogenetic location: 2p16.3.
Variant type: single nucleotide variant.
Coding change: c.989C>A on transcript NM_000179.3 (MANE Select); coding-DNA position 989, C replaced by A.
Protein change: p.Ser330Ter; replaces serine 330 with a stop codon.
Molecular consequence: nonsense.
Genome position (GRCh38, 1-based): chr2:47,798,972, C>A. VCF-style: chr2-47798972-C-A. GRCh37 (hg19) VCF-style: chr2-48026111-C-A.
Other names: c.599C>A, p.Ser200Ter (NM_001281492.2); c.83C>A, p.Ser28Ter (NM_001281493.2, NM_001281494.2); short protein forms S330*, S200*, S28*.
Identifiers: ClinVar variation 186304 (VCV000186304.17), dbSNP rs786202848, ClinGen allele CA016771.
Genomic context (GRCh38, chr2:47,798,972, plus strand): 5'-TTAAAAGGAAAAGCTCTAGGAAGGAAACGCCCTCAGCCACCAAACAAGCAACTAGCATTT[C>A]ATCAGAAACCAAGAATACTTTGAGAGCTTTCTCTGCCCCTCAAAATTCTGAATCCCAAGC-3'